The following is an entry in ClinVar:

ClinVar aggregate classification (germline): Uncertain significance (1 of 4 stars; one submission).

Submission:

GeneDx
Classification: Uncertain significance. Last evaluated: 2025-08-16. Review status: criteria provided, single submitter. Criteria: GeneDx Variant Classification Process June 2021. Collection method: clinical testing. Allele origin: germline. Affected: yes.
Comment: Not observed at significant frequency in large population cohorts (gnomAD); In silico analysis supports that this missense variant has a deleterious effect on protein structure/function; Has not been previously published as pathogenic or benign to our knowledge

NM_004281.4(BAG3):c.1338G>T (p.Lys446Asn)

Gene: BAG3 (BAG cochaperone 3; plus strand). Cytogenetic location: 10q26.11.
Variant type: single nucleotide variant.
Coding change: c.1338G>T on transcript NM_004281.4 (MANE Select); coding-DNA position 1338, G replaced by T.
Protein change: p.Lys446Asn; replaces lysine 446 with asparagine.
Molecular consequence: missense variant.
Genome position (GRCh38, 1-based): chr10:119,676,892, G>T. VCF-style: chr10-119676892-G-T. GRCh37 (hg19) VCF-style: chr10-121436404-G-T.
Other names: short protein forms K446N.
Identifiers: ClinVar variation 4795363 (VCV004795363.1).
Genomic context (GRCh38, chr10:119,676,892, plus strand): 5'-AGCCATCCTGGAGAAGGTACAGGGGCTGGAGCAGGCTGTAGACAACTTTGAAGGCAAGAA[G>T]ACTGACAAAAAGTACCTGATGATCGAAGAGTATTTGACCAAAGAGCTGCTGGCCCTGGAT-3'
Protein context (NP_004272.2, residues 436-456): EQAVDNFEGK[Lys446Asn]TDKKYLMIEE